The following is an entry in ClinVar:

NM_000143.4(FH):c.332G>A (p.Gly111Asp)

Gene: FH (fumarate hydratase; minus strand). Cytogenetic location: 1q43.
Variant type: single nucleotide variant.
Coding change: c.332G>A on transcript NM_000143.4 (MANE Select); coding-DNA position 332, G replaced by A.
Protein change: p.Gly111Asp; replaces glycine 111 with aspartic acid.
Molecular consequence: missense variant.
Genome position (GRCh38, 1-based): chr1:241,513,649, C>T on the plus strand (G>A on the coding strand, the complement: FH is on the minus strand). VCF-style: chr1-241513649-C-T. GRCh37 (hg19) VCF-style: chr1-241676949-C-T.
Other names: short protein forms G111D.
Identifiers: ClinVar variation 864568 (VCV000864568.12), dbSNP rs764340490, ClinGen allele CA1478712.

ClinVar aggregate classification (germline): Uncertain significance. Review status: criteria provided, multiple submitters, no conflicts (2 of 4 stars). 2 submissions from 2 submitters: Uncertain significance (2). Last evaluated 2025-11-04.

Conditions:
Hereditary cancer-predisposing syndrome. Also called: Hereditary Cancer Syndrome; Tumor predisposition; Neoplastic Syndromes, Hereditary; Hereditary neoplastic syndrome. Identifiers: Orphanet 140162, MedGen C0027672, MeSH D009386, MONDO:0015356.

Allele frequency attached by ClinVar (database versions not stated): gnomAD exomes below 0.00001; TOPMed below 0.00001; ExAC 0.00001; gnomAD 0.00001.
gnomAD v4.1: 3 of 1,613,974 alleles (0.00019%); highest among the groups gnomAD compares: Non-Finnish European, 0.00025%; no homozygotes.

Submissions (2):

Labcorp Genetics (formerly Invitae), Labcorp
Classification: Uncertain significance. Last evaluated: 2025-11-04. Review status: criteria provided, single submitter. Criteria: Invitae Variant Classification Sherloc (09022015). Collection method: clinical testing. Allele origin: germline.
Comment: This sequence change replaces glycine, which is neutral and non-polar, with aspartic acid, which is acidic and polar, at codon 111 of the FH protein (p.Gly111Asp). This variant is present in population databases (rs764340490, gnomAD 0.0009%). This variant has not been reported in the literature in individuals affected with FH-related conditions. ClinVar contains an entry for this variant (Variation ID: 864568). Invitae Evidence Modeling of protein sequence and biophysical properties (such as structural, functional, and spatial information, amino acid conservation, physicochemical variation, residue mobility, and thermodynamic stability) has been performed for this missense variant. However, the output from this modeling did not meet the statistical confidence thresholds required to predict the impact of this variant on FH protein function. In summary, the available evidence is currently insufficient to determine the role of this variant in disease. Therefore, it has been classified as a Variant of Uncertain Significance.

Ambry Genetics
Classification: Uncertain significance for Hereditary cancer-predisposing syndrome. Last evaluated: 2024-02-29. Review status: criteria provided, single submitter. Criteria: Ambry Variant Classification Scheme 2023. Collection method: clinical testing. Allele origin: germline.
Comment: The p.G111D variant (also known as c.332G>A), located in coding exon 3 of the FH gene, results from a G to A substitution at nucleotide position 332. The glycine at codon 111 is replaced by aspartic acid, an amino acid with similar properties. This amino acid position is highly conserved in available vertebrate species. In addition, this alteration is predicted to be deleterious by in silico analysis. Since supporting evidence is limited at this time, the clinical significance of this alteration remains unclear.